The following is an entry in ClinVar:

NM_001040272.6(ADAMTSL1):c.3910G>A (p.Val1304Met)

Gene: ADAMTSL1 (ADAMTS like 1; plus strand). Cytogenetic location: 9p22.1.
Variant type: single nucleotide variant.
Coding change: c.3910G>A on transcript NM_001040272.6 (MANE Select); coding-DNA position 3910, G replaced by A.
Protein change: p.Val1304Met; replaces valine 1304 with methionine.
Molecular consequence: missense variant.
Genome position (GRCh38, 1-based): chr9:18,817,213, G>A. VCF-style: chr9-18817213-G-A. GRCh37 (hg19) VCF-style: chr9-18817211-G-A.
Other names: short protein forms V1304M.
Identifiers: ClinVar variation 2659100 (VCV002659100.24), dbSNP rs200586543, ClinGen allele CA4999886.

ClinVar aggregate classification (germline): Likely benign (1 of 4 stars; one submission).

Allele frequency attached by ClinVar (database versions not stated): gnomAD exomes 0.00009; 1000 Genomes Project 30x 0.00031; 1000 Genomes Project 0.00040; ExAC 0.00071; gnomAD 0.00096; TOPMed 0.00106; ESP Exome Variant Server 0.00163.
gnomAD v4.1: 287 of 1,559,618 alleles (0.018%); highest among the groups gnomAD compares: African/African-American, 0.35%; 4 homozygotes.

Submission:

CeGaT Center for Human Genetics Tuebingen
Classification: Likely benign. Last evaluated: 2022-12-01. Review status: criteria provided, single submitter. Criteria: CeGaT Center For Human Genetics Tuebingen Variant Classification Criteria Version 2. Collection method: clinical testing. Allele origin: germline. Affected: yes. Observed: 1 variant allele.
Comment: ADAMTSL1: BS2